The following is an entry in ClinVar:

ClinVar aggregate classification (germline): Uncertain significance (1 of 4 stars; one submission).

Conditions:
Autoimmune lymphoproliferative syndrome type 2A (ALPS2A). Also called: CASP10-Related Autoimmune Lymphoproliferative Syndrome; AUTOIMMUNE LYMPHOPROLIFERATIVE SYNDROME, TYPE IIA; Autoimmune lymphoproliferative syndrome type 2. Identifiers: Orphanet 3261, MedGen C1858968, MONDO:0011383, OMIM 603909.

Allele frequency attached by ClinVar (database versions not stated): gnomAD exomes below 0.00001; TOPMed below 0.00001; gnomAD 0.00001.
gnomAD v4.1: 6 of 1,614,090 alleles (0.00037%); highest among the groups gnomAD compares: East Asian, 0.0089%; no homozygotes.

Submission:

Labcorp Genetics (formerly Invitae), Labcorp
Classification: Uncertain significance for Autoimmune lymphoproliferative syndrome type 2A. Last evaluated: 2022-09-21. Review status: criteria provided, single submitter. Criteria: Invitae Variant Classification Sherloc (09022015). Collection method: clinical testing. Allele origin: germline.
Comment: In summary, the available evidence is currently insufficient to determine the role of this variant in disease. Therefore, it has been classified as a Variant of Uncertain Significance. Advanced modeling of protein sequence and biophysical properties (such as structural, functional, and spatial information, amino acid conservation, physicochemical variation, residue mobility, and thermodynamic stability) performed at Invitae indicates that this missense variant is not expected to disrupt CASP10 protein function. This variant has not been reported in the literature in individuals affected with CASP10-related conditions. This variant is present in population databases (no rsID available, gnomAD 0.006%). This sequence change replaces methionine, which is neutral and non-polar, with threonine, which is neutral and polar, at codon 378 of the CASP10 protein (p.Met378Thr).

NM_032977.4(CASP10):c.1133T>C (p.Met378Thr)

Gene: CASP10 (caspase 10; plus strand). Cytogenetic location: 2q33.1.
Variant type: single nucleotide variant.
Coding change: c.1133T>C on transcript NM_032977.4 (MANE Select); coding-DNA position 1133, T replaced by C.
Protein change: p.Met378Thr; replaces methionine 378 with threonine.
Molecular consequence: missense variant. On other transcripts: 3 prime UTR variant (1).
Genome position (GRCh38, 1-based): chr2:201,209,280, T>C. VCF-style: chr2-201209280-T-C. GRCh37 (hg19) VCF-style: chr2-202074003-T-C.
Other names: c.932T>C, p.Met311Thr (NM_001206524.2); c.1004T>C, p.Met335Thr (NM_001206542.2, NM_001230.5); c.1133T>C, p.Met378Thr (NM_032974.5); c.*219T>C (NM_032976.4); short protein forms M378T, M335T, M311T.
Identifiers: ClinVar variation 2056579 (VCV002056579.4), dbSNP rs1214220018, ClinGen allele CA350291568.